The following is an entry in ClinVar:

NM_144997.7(FLCN):c.709G>T (p.Ala237Ser)

Gene: FLCN (folliculin; minus strand). Cytogenetic location: 17p11.2.
Variant type: single nucleotide variant.
Coding change: c.709G>T on transcript NM_144997.7 (MANE Select); coding-DNA position 709, G replaced by T.
Protein change: p.Ala237Ser; replaces alanine 237 with serine.
Molecular consequence: missense variant.
Genome position (GRCh38, 1-based): chr17:17,222,571, C>A on the plus strand (G>T on the coding strand, the complement: FLCN is on the minus strand). VCF-style: chr17-17222571-C-A. GRCh37 (hg19) VCF-style: chr17-17125885-C-A.
Other names: c.763G>T, p.Ala255Ser (NM_001353229.2); c.709G>T, p.Ala237Ser (NM_001353230.2, NM_001353231.2, NM_144606.7); short protein forms A237S, A255S.
Identifiers: ClinVar variation 3652080 (VCV003652080.2).

ClinVar aggregate classification (germline): Uncertain significance (1 of 4 stars; one submission).

Conditions:
Birt-Hogg-Dube syndrome. Also called: Birt Hogg Dubé syndrome. Identifiers: Orphanet 122, MedGen C0346010, MONDO:0800444.

Submission:

Labcorp Genetics (formerly Invitae), Labcorp
Classification: Uncertain significance for Birt-Hogg-Dube syndrome. Last evaluated: 2024-05-04. Review status: criteria provided, single submitter. Criteria: Invitae Variant Classification Sherloc (09022015). Collection method: clinical testing. Allele origin: germline.
Comment: This sequence change replaces alanine, which is neutral and non-polar, with serine, which is neutral and polar, at codon 237 of the FLCN protein (p.Ala237Ser). This variant is not present in population databases (gnomAD no frequency). This variant has not been reported in the literature in individuals affected with FLCN-related conditions. Advanced modeling of protein sequence and biophysical properties (such as structural, functional, and spatial information, amino acid conservation, physicochemical variation, residue mobility, and thermodynamic stability) performed at Invitae indicates that this missense variant is not expected to disrupt FLCN protein function with a negative predictive value of 80%. In summary, the available evidence is currently insufficient to determine the role of this variant in disease. Therefore, it has been classified as a Variant of Uncertain Significance.